The following is an entry in ClinVar:

ClinVar aggregate classification (germline): Uncertain significance (1 of 4 stars; one submission).

Submission:

CeGaT Center for Human Genetics Tuebingen
Classification: Uncertain significance. Last evaluated: 2023-04-01. Review status: criteria provided, single submitter. Criteria: CeGaT Center For Human Genetics Tuebingen Variant Classification Criteria Version 2. Collection method: clinical testing. Allele origin: germline. Affected: yes. Observed: 1 variant allele.
Comment: KCNK4: PM2

NM_033310.3(KCNK4):c.1082T>G (p.Leu361Arg)

Genes: KCNK4 (potassium two pore domain channel subfamily K member 4; plus strand), KCNK4-CATSPERZ (KCNK4-CATSPERZ readthrough (NMD candidate); plus strand). Cytogenetic location: 11q13.1.
Variant type: single nucleotide variant.
Coding change: c.1082T>G on transcript NM_033310.3 (MANE Select); coding-DNA position 1082, T replaced by G.
Protein change: p.Leu361Arg; replaces leucine 361 with arginine.
Molecular consequence: missense variant. On other transcripts: non-coding transcript variant (3).
Genome position (GRCh38, 1-based): chr11:64,299,626, T>G. VCF-style: chr11-64299626-T-G. GRCh37 (hg19) VCF-style: chr11-64067098-T-G.
Other names: c.1082T>G, p.Leu361Arg (NM_001317090.2, NM_033311.1); short protein forms L361R.
Identifiers: ClinVar variation 2641921 (VCV002641921.24), dbSNP rs2495703409, ClinGen allele CA381069268.
Genomic context (GRCh38, chr11:64,299,626, plus strand): 5'-GCGAGAACCTGGCCTTCATCGACGAGTCCTCGGATACGCAGAGCGAGCGCGGCTGCCCGC[T>G]GCCCCGCGCGCCGAGAGGTCGCCGCCGCCCAAATCCCCCCAGGAAGCCCGTGCGGCCCCG-3'
Protein context (NP_201567.1, residues 351-371): SDTQSERGCP[Leu361Arg]PRAPRGRRRP